The following is an entry in ClinVar:

ClinVar aggregate classification (germline): Uncertain significance (1 of 4 stars; one submission).

Submission:

Labcorp Genetics (formerly Invitae), Labcorp
Classification: Uncertain significance. Last evaluated: 2024-02-15. Review status: criteria provided, single submitter. Criteria: Invitae Variant Classification Sherloc (09022015). Collection method: clinical testing. Allele origin: germline.
Comment: This sequence change replaces glutamic acid, which is acidic and polar, with glutamine, which is neutral and polar, at codon 1192 of the CLTC protein (p.Glu1192Gln). This variant is not present in population databases (gnomAD no frequency). This variant has not been reported in the literature in individuals affected with CLTC-related conditions. Advanced modeling of protein sequence and biophysical properties (such as structural, functional, and spatial information, amino acid conservation, physicochemical variation, residue mobility, and thermodynamic stability) performed at Invitae indicates that this missense variant is not expected to disrupt CLTC protein function with a negative predictive value of 80%. In summary, the available evidence is currently insufficient to determine the role of this variant in disease. Therefore, it has been classified as a Variant of Uncertain Significance.

NM_004859.4(CLTC):c.3562G>C (p.Glu1188Gln)

Gene: CLTC (clathrin heavy chain; plus strand). Cytogenetic location: 17q23.1.
Variant type: single nucleotide variant.
Coding change: c.3562G>C on transcript NM_004859.4 (MANE Select); coding-DNA position 3562, G replaced by C.
Protein change: p.Glu1188Gln; replaces glutamic acid 1188 with glutamine.
Molecular consequence: missense variant.
Genome position (GRCh38, 1-based): chr17:59,682,390, G>C. VCF-style: chr17-59682390-G-C. GRCh37 (hg19) VCF-style: chr17-57759751-G-C.
Other names: c.3574G>C, p.Glu1192Gln (NM_001288653.2); short protein forms E1192Q, E1188Q.
Identifiers: ClinVar variation 3641078 (VCV003641078.2).